The following is an entry in ClinVar:

NM_003072.5(SMARCA4):c.57C>T (p.Gly19=)

Gene: SMARCA4 (SWI/SNF related BAF chromatin remodeling complex subunit ATPase 4; plus strand). Cytogenetic location: 19p13.2.
Variant type: single nucleotide variant.
Coding change: c.57C>T on transcript NM_003072.5 (MANE Select); coding-DNA position 57, C replaced by T.
Protein change: p.Gly19=; no amino-acid change (glycine 19 retained).
Molecular consequence: synonymous variant. On other transcripts: non-coding transcript variant (1).
Genome position (GRCh38, 1-based): chr19:10,984,208, C>T. VCF-style: chr19-10984208-C-T. GRCh37 (hg19) VCF-style: chr19-11094884-C-T.
Other names: c.57C>T, p.Gly19= (NM_001128844.3, NM_001128845.2, NM_001128846.2 and 5 more transcripts).
Identifiers: ClinVar variation 1531661 (VCV001531661.11), dbSNP rs778795986, ClinGen allele CA9203389.

ClinVar aggregate classification (germline): Benign/Likely benign. Review status: criteria provided, multiple submitters, no conflicts (2 of 4 stars). 3 submissions from 3 submitters: Benign (1); Likely benign (2). Last evaluated 2026-07-08.

Conditions:
Hereditary cancer-predisposing syndrome. Also called: Neoplastic Syndromes, Hereditary; Tumor predisposition; Hereditary Cancer Syndrome; Hereditary neoplastic syndrome. Identifiers: Orphanet 140162, MedGen C0027672, MeSH D009386, MONDO:0015356.
Rhabdoid tumor predisposition syndrome 2 (RTPS2). Identifiers: Orphanet 231108, Orphanet 69077, MedGen C2750074, MONDO:0013224, OMIM 613325.

Allele frequency attached by ClinVar (database versions not stated): gnomAD exomes below 0.00001; TOPMed below 0.00001; ExAC 0.00001.
gnomAD v4.1: 1 of 1,611,776 alleles (0.000062%); highest among the groups gnomAD compares: Non-Finnish European, 0.000085%; no homozygotes.

Submissions (3):

Myriad Genetics, Inc.
Classification: Benign for Rhabdoid tumor predisposition syndrome 2. Last evaluated: 2026-07-08. Review status: criteria provided, single submitter. Criteria: Myriad Autosomal Dominant, Autosomal Recessive and X-Linked Classification Criteria (2023). Collection method: clinical testing. Allele origin: unknown.
Comment: This variant is considered benign. This variant is a silent/synonymous amino acid change and it is not expected to impact splicing.

Labcorp Genetics (formerly Invitae), Labcorp
Classification: Likely benign for Rhabdoid tumor predisposition syndrome 2. Last evaluated: 2022-01-28. Review status: criteria provided, single submitter. Criteria: Invitae Variant Classification Sherloc (09022015). Collection method: clinical testing. Allele origin: germline.

Ambry Genetics
Classification: Likely benign for Hereditary cancer-predisposing syndrome. Last evaluated: 2021-12-18. Review status: criteria provided, single submitter. Criteria: Ambry Variant Classification Scheme 2023. Collection method: clinical testing. Allele origin: germline.